The following is an entry in ClinVar:

ClinVar aggregate classification (germline): Pathogenic (1 of 4 stars; one submission).

Conditions:
Perlman syndrome (PRLMNS). Identifiers: Orphanet 2849, MedGen C0796113, MONDO:0009965, OMIM 267000.

Submission:

Labcorp Genetics (formerly Invitae), Labcorp
Classification: Pathogenic for Perlman syndrome. Last evaluated: 2022-08-01. Review status: criteria provided, single submitter. Criteria: Invitae Variant Classification Sherloc (09022015). Collection method: clinical testing. Allele origin: unknown.
Comment: For these reasons, this variant has been classified as Pathogenic. This variant has not been reported in the literature in individuals affected with DIS3L2-related conditions. This variant is a gross deletion of the genomic region encompassing exon(s) 6-10 of the DIS3L2 gene. This deletion is out-of-frame, and is expected to create a premature termination codon and result in an absent or disrupted protein product. Loss-of-function variants in DIS3L2 are known to be pathogenic (PMID: 22306653, 28328139).

Literature cited by the submitters: PubMed 22306653; PubMed 28328139.

NC_000002.11:g.(?_232952177)_(233075135_?)del

Gene: DIS3L2 (DIS3 like 3'-5' exoribonuclease 2; plus strand). Cytogenetic location: 2q37.1.
Variant type: Deletion.
Identifiers: ClinVar variation 3247211 (VCV003247211.1).